The following is an entry in ClinVar:

ClinVar aggregate classification (germline): Uncertain significance (1 of 4 stars; one submission).

Submission:

GeneDx
Classification: Uncertain significance. Last evaluated: 2025-06-09. Review status: criteria provided, single submitter. Criteria: GeneDx Variant Classification Process June 2021. Collection method: clinical testing. Allele origin: germline. Affected: yes.
Comment: Not observed at significant frequency in large population cohorts (gnomAD); In silico analysis suggests that this missense variant does not alter protein structure/function; Has not been previously published as pathogenic or benign to our knowledge

NM_018263.6(ASXL2):c.3295G>A (p.Asp1099Asn)

Gene: ASXL2 (ASXL transcriptional regulator 2; minus strand). Cytogenetic location: 2p23.3.
Variant type: single nucleotide variant.
Coding change: c.3295G>A on transcript NM_018263.6 (MANE Select); coding-DNA position 3295, G replaced by A.
Protein change: p.Asp1099Asn; replaces aspartic acid 1099 with asparagine.
Molecular consequence: missense variant.
Genome position (GRCh38, 1-based): chr2:25,743,042, C>T on the plus strand (G>A on the coding strand, the complement: ASXL2 is on the minus strand). VCF-style: chr2-25743042-C-T. GRCh37 (hg19) VCF-style: chr2-25965911-C-T.
Other names: c.3121G>A, p.Asp1041Asn (NM_001369346.1); c.2515G>A, p.Asp839Asn (NM_001369347.1); short protein forms D1041N, D1099N, D839N.
Identifiers: ClinVar variation 4537522 (VCV004537522.1).